The following is an entry in ClinVar:

NM_003640.5(ELP1):c.2997G>A (p.Glu999=)

Gene: ELP1 (elongator acetyltransferase complex subunit 1; minus strand). Cytogenetic location: 9q31.3.
Variant type: single nucleotide variant.
Coding change: c.2997G>A on transcript NM_003640.5 (MANE Select); coding-DNA position 2997, G replaced by A.
Protein change: p.Glu999=; no amino-acid change (glutamic acid 999 retained).
Molecular consequence: synonymous variant.
Genome position (GRCh38, 1-based): chr9:108,891,366, C>T on the plus strand (G>A on the coding strand, the complement: ELP1 is on the minus strand). VCF-style: chr9-108891366-C-T. GRCh37 (hg19) VCF-style: chr9-111653646-C-T.
Other names: c.2655G>A, p.Glu885= (NM_001318360.2); c.1950G>A, p.Glu650= (NM_001330749.2); c.2997G>A (NM_003640.4).
Identifiers: ClinVar variation 1627446 (VCV001627446.9), dbSNP rs1288718353, ClinGen allele CA466673330.

ClinVar aggregate classification (germline): Likely benign. Review status: criteria provided, multiple submitters, no conflicts (2 of 4 stars). 2 submissions from 2 submitters: Likely benign (2). Last evaluated 2026-08-19.

Conditions:
ELP1-related disorder. Also called: ELP1-related condition.

gnomAD v4.1: 2 of 1,613,996 alleles (0.00012%); highest among the groups gnomAD compares: South Asian, 0.0011%; no homozygotes.

Submissions (2):

PreventionGenetics, part of Exact Sciences
Classification: Likely benign for ELP1-related condition. Last evaluated: 2026-08-19. Review status: criteria provided, single submitter. Criteria: ACMG Guidelines, 2015. Collection method: clinical testing. Allele origin: germline.
Comment: This variant is classified as likely benign based on ACMG/AMP sequence variant interpretation guidelines (Richards et al. 2015 PMID: 25741868, with internal and published modifications).

Labcorp Genetics (formerly Invitae), Labcorp
Classification: Likely benign. Last evaluated: 2023-08-30. Review status: criteria provided, single submitter. Criteria: Invitae Variant Classification Sherloc (09022015). Collection method: clinical testing. Allele origin: germline.